The following is an entry in ClinVar:

ClinVar aggregate classification (germline): Pathogenic (1 of 4 stars; one submission).

Conditions:
MPI-congenital disorder of glycosylation. Also called: CONGENITAL DISORDER OF GLYCOSYLATION, TYPE Ib; PROTEIN-LOSING ENTEROPATHY-HEPATIC FIBROSIS SYNDROME; MPI-CDG; CDG Ib; MANNOSEPHOSPHATE ISOMERASE DEFICIENCY; MPI DEFICIENCY. Identifiers: Orphanet 79319, MedGen C1865145, MONDO:0011257, OMIM 602579.

Submission:

Labcorp Genetics (formerly Invitae), Labcorp
Classification: Pathogenic for MPI-congenital disorder of glycosylation. Last evaluated: 2021-03-25. Review status: criteria provided, single submitter. Criteria: Invitae Variant Classification Sherloc (09022015). Collection method: clinical testing. Allele origin: germline.
Comment: This variant disrupts the C-terminus of the MPI protein. Other variant(s) that disrupt this region (p.Ala363Hisfs*9) have been determined to be pathogenic (Invitae). This suggests that variants that disrupt this region of the protein are likely to be causative of disease. For these reasons, this variant has been classified as Pathogenic. This sequence change affects a donor splice site in intron 7 of the MPI gene. While this variant is not anticipated to result in nonsense mediated decay, it likely alters RNA splicing and results in a disrupted protein product. This variant is not present in population databases (ExAC no frequency). This variant has not been reported in the literature in individuals with MPI-related conditions. Nucleotide substitutions within the consensus splice site are a relatively common cause of aberrant splicing (PMID: 17576681, 9536098). Algorithms developed to predict the effect of sequence changes on RNA splicing suggest that this variant may disrupt the consensus splice site, but this prediction has not been confirmed by published transcriptional studies.

Literature cited by the submitters: PubMed 17576681; PubMed 9536098.

NM_002435.3(MPI):c.1053+2T>C

Gene: MPI (mannose phosphate isomerase; plus strand). Cytogenetic location: 15q24.1.
Variant type: single nucleotide variant.
Coding change: c.1053+2T>C on transcript NM_002435.3 (MANE Select); the canonical splice donor site of the intron after coding-DNA position 1053, T replaced by C.
Molecular consequence: splice donor variant. On other transcripts: intron variant (1).
Genome position (GRCh38, 1-based): chr15:74,897,221, T>C. VCF-style: chr15-74897221-T-C. GRCh37 (hg19) VCF-style: chr15-75189562-T-C.
Other names: c.993+2T>C (NM_001330372.2); c.845-291T>C (NM_001289155.2); c.870+2T>C (NM_001289157.2); c.903+2T>C (NM_001289156.2).
Identifiers: ClinVar variation 1451527 (VCV001451527.8), dbSNP rs2141208760, ClinGen allele CA393178461.